The following is an entry in ClinVar:

NM_001035.3(RYR2):c.9307C>G (p.Pro3103Ala)

Gene: RYR2 (ryanodine receptor 2; plus strand). Cytogenetic location: 1q43.
Variant type: single nucleotide variant.
Coding change: c.9307C>G on transcript NM_001035.3 (MANE Select); coding-DNA position 9307, C replaced by G.
Protein change: p.Pro3103Ala; replaces proline 3103 with alanine.
Molecular consequence: missense variant.
Genome position (GRCh38, 1-based): chr1:237,700,407, C>G. VCF-style: chr1-237700407-C-G. GRCh37 (hg19) VCF-style: chr1-237863707-C-G.
Other names: short protein forms P3103A.
Identifiers: ClinVar variation 3718400 (VCV003718400.2).

ClinVar aggregate classification (germline): Uncertain significance (1 of 4 stars; one submission).

Conditions:
Catecholaminergic polymorphic ventricular tachycardia 1. Also called: VENTRICULAR TACHYCARDIA, STRESS-INDUCED POLYMORPHIC 1; VENTRICULAR TACHYCARDIA, CATECHOLAMINERGIC POLYMORPHIC, 1, WITH OR WITHOUT ATRIAL DYSFUNCTION AND/OR DILATED CARDIOMYOPATHY; RYR2-Related Catecholaminergic Polymorphic Ventricular Tachycardia. Identifiers: Orphanet 3286, MedGen C1631597, MONDO:0011484, OMIM 604772.

gnomAD v4.1: 2 of 1,609,814 alleles (0.00012%); highest among the groups gnomAD compares: Non-Finnish European, 0.00017%; no homozygotes.

Submission:

Labcorp Genetics (formerly Invitae), Labcorp
Classification: Uncertain significance for Catecholaminergic polymorphic ventricular tachycardia 1. Last evaluated: 2025-01-14. Review status: criteria provided, single submitter. Criteria: Invitae Variant Classification Sherloc (09022015). Collection method: clinical testing. Allele origin: germline.
Comment: This sequence change replaces proline, which is neutral and non-polar, with alanine, which is neutral and non-polar, at codon 3103 of the RYR2 protein (p.Pro3103Ala). This variant is not present in population databases (gnomAD no frequency). This variant has not been reported in the literature in individuals affected with RYR2-related conditions. Invitae Evidence Modeling of protein sequence and biophysical properties (such as structural, functional, and spatial information, amino acid conservation, physicochemical variation, residue mobility, and thermodynamic stability) has been performed for this missense variant. However, the output from this modeling did not meet the statistical confidence thresholds required to predict the impact of this variant on RYR2 protein function. In summary, the available evidence is currently insufficient to determine the role of this variant in disease. Therefore, it has been classified as a Variant of Uncertain Significance.